The following is an entry in ClinVar:

NM_021815.5(SLC5A7):c.178+6T>C

Gene: SLC5A7 (solute carrier family 5 member 7; plus strand). Cytogenetic location: 2q12.3.
Variant type: single nucleotide variant.
Coding change: c.178+6T>C on transcript NM_021815.5 (MANE Select); 6 bases into the intron after coding-DNA position 178, T replaced by C.
Molecular consequence: intron variant.
Genome position (GRCh38, 1-based): chr2:107,988,339, T>C. VCF-style: chr2-107988339-T-C. GRCh37 (hg19) VCF-style: chr2-108604795-T-C.
Other names: c.-527+6T>C (NM_001305007.3); c.178+6T>C (NM_001305005.3); c.-138+1576T>C (NM_001305006.3).
Identifiers: ClinVar variation 532816 (VCV000532816.8), dbSNP rs1553457530, ClinGen allele CA658795835.
Genomic context (GRCh38, chr2:107,988,339, plus strand): 5'-ATCATAGTTGGTGGCCGAGATATTGGTTTATTGGTTGGTGGATTTACCATGACAGGTACG[T>C]TCAGACGCCGCCGGCTCCATGCAGTCCTCCCTTCCTTGGCATCTGTGAGTGTGCAGCGTG-3'

ClinVar aggregate classification (germline): Uncertain significance. Review status: criteria provided, multiple submitters, no conflicts (2 of 4 stars). 2 submissions from 2 submitters: Uncertain significance (2). Last evaluated 2022-03-08.

Conditions:
Inborn genetic diseases. Identifiers: MedGen C0950123, MeSH D030342.
Neuronopathy, distal hereditary motor, type 7A. Also called: Neuronopathy, distal hereditary motor, type viia; HARPER-YOUNG MYOPATHY; HMN VIIA; NEURONOPATHY, DISTAL HEREDITARY MOTOR, HARDING TYPE VIIA; NEUROPATHY, DISTAL HEREDITARY MOTOR, HARDING TYPE VIIA; Neuronopathy, distal hereditary motor, autosomal dominant 7. Identifiers: Orphanet 139589, MedGen C1834703, MONDO:0008024, OMIM 158580.
Congenital myasthenic syndrome 20. Also called: Myasthenic syndrome, congenital, 20, presynaptic. Identifiers: MedGen C4310694, MONDO:0014939, OMIM 617143.

Allele frequency attached by ClinVar (database versions not stated): gnomAD 0.00001; gnomAD exomes below 0.00001; TOPMed below 0.00001.
gnomAD v4.1: 2 of 1,605,812 alleles (0.00012%); highest among the groups gnomAD compares: Non-Finnish European, 0.00017%; no homozygotes.

Submissions (2):

Labcorp Genetics (formerly Invitae), Labcorp
Classification: Uncertain significance for Neuronopathy, distal hereditary motor, type 7A; Congenital myasthenic syndrome 20. Last evaluated: 2022-03-08. Review status: criteria provided, single submitter. Criteria: Invitae Variant Classification Sherloc (09022015). Collection method: clinical testing. Allele origin: germline.
Comment: This sequence change falls in intron 2 of the SLC5A7 gene. It does not directly change the encoded amino acid sequence of the SLC5A7 protein. It affects a nucleotide within the consensus splice site. This variant is not present in population databases (gnomAD no frequency). In summary, the available evidence is currently insufficient to determine the role of this variant in disease. Therefore, it has been classified as a Variant of Uncertain Significance. Variants that disrupt the consensus splice site are a relatively common cause of aberrant splicing (PMID: 17576681, 9536098). Algorithms developed to predict the effect of sequence changes on RNA splicing suggest that this variant is not likely to affect RNA splicing. ClinVar contains an entry for this variant (Variation ID: 532816). This variant has not been reported in the literature in individuals affected with SLC5A7-related conditions.

Ambry Genetics
Classification: Uncertain significance for Inborn genetic diseases. Last evaluated: 2020-09-02. Review status: criteria provided, single submitter. Criteria: Ambry Variant Classification Scheme 2023. Collection method: clinical testing. Allele origin: germline.
Comment: The c.178+6T>C intronic variant results from a T to C substitution 6 nucleotides after coding exon 1 in the SLC5A7 gene. This nucleotide position is well conserved in available vertebrate species. In silico splice site analysis for this alteration is inconclusive. Since supporting evidence is limited at this time, the clinical significance of this alteration remains unclear.

Literature cited by the submitters: PubMed 17576681 (cited by Labcorp Genetics (formerly Invitae), Labcorp); PubMed 9536098 (cited by Labcorp Genetics (formerly Invitae), Labcorp).